The following is an entry in ClinVar:

ClinVar aggregate classification (germline): Uncertain significance (1 of 4 stars; one submission).

Submission:

Labcorp Genetics (formerly Invitae), Labcorp
Classification: Uncertain significance. Last evaluated: 2024-02-24. Review status: criteria provided, single submitter. Criteria: Invitae Variant Classification Sherloc (09022015). Collection method: clinical testing. Allele origin: germline.
Comment: This variant, c.568_573del, results in the deletion of 2 amino acid(s) of the KCNK4 protein (p.Val190_Phe191del), but otherwise preserves the integrity of the reading frame. This variant is present in population databases (rs778654284, gnomAD 0.006%). This variant has not been reported in the literature in individuals affected with KCNK4-related conditions. ClinVar contains an entry for this variant (Variation ID: 1968150). Experimental studies and prediction algorithms are not available or were not evaluated, and the functional significance of this variant is currently unknown. In summary, the available evidence is currently insufficient to determine the role of this variant in disease. Therefore, it has been classified as a Variant of Uncertain Significance.

NM_033310.3(KCNK4):c.568_573del (p.Val190_Phe191del)

Genes: KCNK4 (potassium two pore domain channel subfamily K member 4; plus strand), KCNK4-CATSPERZ (KCNK4-CATSPERZ readthrough (NMD candidate); plus strand). Cytogenetic location: 11q13.1.
Variant type: Deletion.
Coding change: c.568_573del on transcript NM_033310.3 (MANE Select); coding-DNA positions 568 to 573, 6 bases deleted (GTGTTC; older notation c.568_573delGTGTTC).
Protein change: p.Val190_Phe191del.
Molecular consequence: inframe deletion. On other transcripts: non-coding transcript variant (1), inframe indel (1).
Genome position (GRCh38, 1-based): chr11:64,297,560-64,297,565, GTGTTC deleted; deleting any 6 consecutive bases within chr11:64,297,556-64,297,565 gives the same sequence; the c. name uses the placement nearest the transcript's 3' end. VCF-style (leftmost placement, unchanged base first): chr11-64297555-CGTTCGT-C. GRCh37 (hg19) VCF-style: chr11-64065027-CGTTCGT-C.
Other names: c.568_573del, p.Val190_Phe191del (NM_001317090.2); c.568_573delGTGTTC, p.Val190_Phe191del (NM_033311.1).
Identifiers: ClinVar variation 1968150 (VCV001968150.5), dbSNP rs778654284, ClinGen allele CA6073099.